The following is an entry in ClinVar:

ClinVar aggregate classification (germline): Uncertain significance. Review status: criteria provided, multiple submitters, no conflicts (2 of 4 stars). 2 submissions from 2 submitters: Uncertain significance (2). Last evaluated 2025-11-26.

Conditions:
Inborn genetic diseases. Identifiers: MedGen C0950123, MeSH D030342.

Allele frequency attached by ClinVar (database versions not stated): TOPMed below 0.00001; ExAC 0.00001; gnomAD 0.00001; gnomAD exomes 0.00001; ESP Exome Variant Server 0.00008.
gnomAD v4.1: 10 of 1,613,736 alleles (0.00062%); highest among the groups gnomAD compares: Non-Finnish European, 0.00085%; no homozygotes.

Submissions (2):

Ambry Genetics
Classification: Uncertain significance for Inborn genetic diseases. Last evaluated: 2025-11-26. Review status: criteria provided, single submitter. Criteria: Ambry Variant Classification Scheme 2023. Collection method: clinical testing. Allele origin: germline.

Labcorp Genetics (formerly Invitae), Labcorp
Classification: Uncertain significance. Last evaluated: 2024-06-03. Review status: criteria provided, single submitter. Criteria: Invitae Variant Classification Sherloc (09022015). Collection method: clinical testing. Allele origin: germline.
Comment: This sequence change replaces phenylalanine, which is neutral and non-polar, with serine, which is neutral and polar, at codon 586 of the DYM protein (p.Phe586Ser). This variant is present in population databases (rs141363417, gnomAD 0.002%). This variant has not been reported in the literature in individuals affected with DYM-related conditions. ClinVar contains an entry for this variant (Variation ID: 1916734). Advanced modeling of protein sequence and biophysical properties (such as structural, functional, and spatial information, amino acid conservation, physicochemical variation, residue mobility, and thermodynamic stability) has been performed at Invitae for this missense variant, however the output from this modeling did not meet the statistical confidence thresholds required to predict the impact of this variant on DYM protein function. In summary, the available evidence is currently insufficient to determine the role of this variant in disease. Therefore, it has been classified as a Variant of Uncertain Significance.

NM_001353214.3(DYM):c.1922T>C (p.Phe641Ser)

Gene: DYM (dymeclin; minus strand). Cytogenetic location: 18q21.1.
Variant type: single nucleotide variant.
Coding change: c.1922T>C on transcript NM_001353214.3 (MANE Select); coding-DNA position 1922, T replaced by C.
Protein change: p.Phe641Ser; replaces phenylalanine 641 with serine.
Molecular consequence: missense variant. On other transcripts: intron variant (3).
Genome position (GRCh38, 1-based): chr18:49,097,505, A>G on the plus strand (T>C on the coding strand, the complement: DYM is on the minus strand). VCF-style: chr18-49097505-A-G. GRCh37 (hg19) VCF-style: chr18-46623875-A-G.
Other names: c.1754T>C, p.Phe585Ser (NM_001353210.3, NM_001353211.3); c.1919T>C, p.Phe640Ser (NM_001353212.3, NM_001353213.3); c.1739T>C, p.Phe580Ser (NM_001353215.3); c.1574T>C, p.Phe525Ser (NM_001353216.3, NM_001374437.1); c.1922T>C, p.Phe641Ser (NM_001374428.1, NM_001374430.1); c.1916T>C, p.Phe639Ser (NM_001374429.1); c.1796T>C, p.Phe599Ser (NM_001374432.1); c.1757T>C, p.Phe586Ser (NM_001374433.1, NM_017653.6); and 12 more; short protein forms F451S, F510S, F585S, F395S, F396S, F523S, F544S, F580S.
Identifiers: ClinVar variation 1916734 (VCV001916734.6), dbSNP rs141363417, ClinGen allele CA8957966.